The following is an entry in ClinVar:

NM_002890.3(RASA1):c.618_621del (p.Ile206fs)

Genes: CCNH (cyclin H; minus strand), RASA1 (RAS p21 protein activator 1; plus strand). Cytogenetic location: 5q14.3.
Variant type: Deletion.
Coding change: c.618_621del on transcript NM_002890.3 (MANE Select); coding-DNA positions 618 to 621, 4 bases deleted (AAGA; older notation c.618_621delAAGA).
Protein change: p.Ile206fs; shifts the reading frame from isoleucine 206.
Molecular consequence: frameshift variant. On other transcripts: intron variant (1).
Genome position (GRCh38, 1-based): chr5:87,331,426-87,331,429, AAGA deleted. VCF-style (leftmost placement, unchanged base first): chr5-87331425-TAAGA-T. GRCh37 (hg19) VCF-style: chr5-86627242-TAAGA-T.
Other names: c.87_90del, p.Ile29fs (NM_022650.3); c.934-18634_934-18631del (NM_001364075.2); short protein forms I206fs, I29fs.
Identifiers: ClinVar variation 213662 (VCV000213662.4), dbSNP rs863223720, ClinGen allele CA320654.

ClinVar aggregate classification (germline): Pathogenic (1 of 4 stars; one submission).

Submission:

GeneDx
Classification: Pathogenic. Last evaluated: 2014-01-23. Review status: criteria provided, single submitter. Criteria: GeneDx Variant Classification (06012015). Collection method: clinical testing. Allele origin: germline. Affected: yes.
Comment: Although the c.618_621delAAGA mutation in the RASA1 gene has not been reported to our knowledge, this mutation causes a shift in reading frame starting at codon Isoleucine 206, changing it to a Methionine, and creating a premature stop codon at position 18 of the new reading frame, denoted p.Ile206MetfsX18. This mutation is expected to result in either an abnormal, truncated protein product or loss of protein from this allele through nonsense-mediated mRNA decay. Other frameshift mutations in the RASA1 gene have been reported in association with capillary malformation-arteriovenous malformation syndrome (CM-AVM) and Parkes Weber syndrome. In summary, c.618_621delAAGA in the RASA1 gene is interpreted as a disease-causing mutation.